The following is an entry in ClinVar:

ClinVar aggregate classification (germline): Uncertain significance (1 of 4 stars; one submission).

gnomAD v4.1: 27 of 1,613,798 alleles (0.0017%); highest among the groups gnomAD compares: Non-Finnish European, 0.0023%; no homozygotes.

Submission:

Labcorp Genetics (formerly Invitae), Labcorp
Classification: Uncertain significance. Last evaluated: 2025-10-21. Review status: criteria provided, single submitter. Criteria: Invitae Variant Classification Sherloc (09022015). Collection method: clinical testing. Allele origin: germline.
Comment: This sequence change replaces threonine, which is neutral and polar, with isoleucine, which is neutral and non-polar, at codon 4544 of the HMCN1 protein (p.Thr4544Ile). This variant is present in population databases (no rsID available, gnomAD 0.0009%). This variant has not been reported in the literature in individuals affected with HMCN1-related conditions. An algorithm developed to predict the effect of missense changes on protein structure and function (PolyPhen-2) suggests that this variant is likely to be disruptive. In summary, the available evidence is currently insufficient to determine the role of this variant in disease. Therefore, it has been classified as a Variant of Uncertain Significance.

NM_031935.3(HMCN1):c.13631C>T (p.Thr4544Ile)

Gene: HMCN1 (hemicentin 1; plus strand). Cytogenetic location: 1q31.1.
Variant type: single nucleotide variant.
Coding change: c.13631C>T on transcript NM_031935.3 (MANE Select); coding-DNA position 13631, C replaced by T.
Protein change: p.Thr4544Ile; replaces threonine 4544 with isoleucine.
Molecular consequence: missense variant.
Genome position (GRCh38, 1-based): chr1:186,137,546, C>T. VCF-style: chr1-186137546-C-T. GRCh37 (hg19) VCF-style: chr1-186106678-C-T.
Other names: short protein forms T4544I.
Identifiers: ClinVar variation 4692473 (VCV004692473.1).